The following is an entry in ClinVar:

NM_020778.5(ALPK3):c.3398T>C (p.Ile1133Thr)

Gene: ALPK3 (alpha kinase 3; plus strand). Cytogenetic location: 15q25.3.
Variant type: single nucleotide variant.
Coding change: c.3398T>C on transcript NM_020778.5 (MANE Select); coding-DNA position 3398, T replaced by C.
Protein change: p.Ile1133Thr; replaces isoleucine 1133 with threonine.
Molecular consequence: missense variant.
Genome position (GRCh38, 1-based): chr15:84,858,136, T>C. VCF-style: chr15-84858136-T-C. GRCh37 (hg19) VCF-style: chr15-85401367-T-C.
Other names: c.4004T>C (NM_020778.4); short protein forms I1133T.
Identifiers: ClinVar variation 1933054 (VCV001933054.7), dbSNP rs773692349, ClinGen allele CA7709619.
Genomic context (GRCh38, chr15:84,858,136, plus strand): 5'-GTCGACTGGGGGAGGCGGGTGGGCAGGCAGCCCCTGGACAGGGGCCCTCAGCAGAGAGCA[T>C]AGCCCAGGAGCCCTCCCAAGAGGAGAAGTTCCCAGGGGAGGCTCTGACAGGTCTCCCGGC-3'
Protein context (NP_065829.4, residues 1123-1143): APGQGPSAES[Ile1133Thr]AQEPSQEEKF

ClinVar aggregate classification (germline): Uncertain significance. Review status: criteria provided, multiple submitters, no conflicts (2 of 4 stars). 3 submissions from 3 submitters: Uncertain significance (3). Last evaluated 2025-11-12.

Conditions:
Cardiovascular phenotype. Identifiers: MedGen CN230736.

Allele frequency attached by ClinVar (database versions not stated): TOPMed below 0.00001; gnomAD 0.00001; ExAC 0.00004.
gnomAD v4.1: 10 of 1,597,198 alleles (0.00063%); highest among the groups gnomAD compares: Non-Finnish European, 0.00085%; no homozygotes.

Submissions (3):

Labcorp Genetics (formerly Invitae), Labcorp
Classification: Uncertain significance. Last evaluated: 2025-11-12. Review status: criteria provided, single submitter. Criteria: Invitae Variant Classification Sherloc (09022015). Collection method: clinical testing. Allele origin: germline.
Comment: This sequence change replaces isoleucine, which is neutral and non-polar, with threonine, which is neutral and polar, at codon 1335 of the ALPK3 protein (p.Ile1335Thr). This variant is present in population databases (rs773692349, gnomAD 0.004%). This variant has not been reported in the literature in individuals affected with ALPK3-related conditions. ClinVar contains an entry for this variant (Variation ID: 1933054). Invitae Evidence Modeling of protein sequence and biophysical properties (such as structural, functional, and spatial information, amino acid conservation, physicochemical variation, residue mobility, and thermodynamic stability) indicates that this missense variant is not expected to disrupt ALPK3 protein function with a negative predictive value of 80%. In summary, the available evidence is currently insufficient to determine the role of this variant in disease. Therefore, it has been classified as a Variant of Uncertain Significance.

Ambry Genetics
Classification: Uncertain significance for Cardiovascular phenotype. Last evaluated: 2025-08-24. Review status: criteria provided, single submitter. Criteria: Ambry Variant Classification Scheme 2023. Collection method: clinical testing. Allele origin: germline.
Comment: The p.I1335T variant (also known as c.4004T>C), located in coding exon 6 of the ALPK3 gene, results from a T to C substitution at nucleotide position 4004. The isoleucine at codon 1335 is replaced by threonine, an amino acid with similar properties. This amino acid position is conserved. In addition, this alteration is predicted to be tolerated by in silico analysis. Based on the available evidence, the clinical significance of this variant remains unclear.

GeneDx
Classification: Uncertain significance. Last evaluated: 2024-09-03. Review status: criteria provided, single submitter. Criteria: GeneDx Variant Classification Process June 2021. Collection method: clinical testing. Allele origin: germline. Affected: yes.
Comment: Not observed at significant frequency in large population cohorts (gnomAD); In silico analysis indicates that this missense variant does not alter protein structure/function; Has not been previously published as pathogenic or benign to our knowledge